The following is an entry in ClinVar:

NM_000719.7(CACNA1C):c.256T>C (p.Tyr86His)

Gene: CACNA1C (calcium voltage-gated channel subunit alpha1 C; plus strand). Cytogenetic location: 12p13.33.
Variant type: single nucleotide variant.
Coding change: c.256T>C on transcript NM_000719.7 (MANE Select); coding-DNA position 256, T replaced by C.
Protein change: p.Tyr86His; replaces tyrosine 86 with histidine.
Molecular consequence: missense variant.
Genome position (GRCh38, 1-based): chr12:2,115,430, T>C. VCF-style: chr12-2115430-T-C. GRCh37 (hg19) VCF-style: chr12-2224596-T-C.
Other names: c.256T>C, p.Tyr86His (NM_001129827.2, NM_001129829.2, NM_001129830.3 and 19 more transcripts); short protein forms Y86H.
Identifiers: ClinVar variation 2421399 (VCV002421399.5), dbSNP rs2547569725, ClinGen allele CA383653252.

ClinVar aggregate classification (germline): Uncertain significance (1 of 4 stars; one submission).

Conditions:
Long QT syndrome (LQTS). Identifiers: MedGen C0023976, MeSH D008133, MONDO:0002442. Disease mechanism: loss of function. Inheritance: Various modes of inheritance.

Submission:

Labcorp Genetics (formerly Invitae), Labcorp
Classification: Uncertain significance for Long QT syndrome. Last evaluated: 2024-07-19. Review status: criteria provided, single submitter. Criteria: Invitae Variant Classification Sherloc (09022015). Collection method: clinical testing. Allele origin: germline.
Comment: This sequence change replaces tyrosine, which is neutral and polar, with histidine, which is basic and polar, at codon 86 of the CACNA1C protein (p.Tyr86His). This variant is not present in population databases (gnomAD no frequency). This variant has not been reported in the literature in individuals affected with CACNA1C-related conditions. ClinVar contains an entry for this variant (Variation ID: 2421399). Advanced modeling of protein sequence and biophysical properties (such as structural, functional, and spatial information, amino acid conservation, physicochemical variation, residue mobility, and thermodynamic stability) performed at Invitae indicates that this missense variant is not expected to disrupt CACNA1C protein function with a negative predictive value of 95%. In summary, the available evidence is currently insufficient to determine the role of this variant in disease. Therefore, it has been classified as a Variant of Uncertain Significance.